The following is an entry in ClinVar:

ClinVar aggregate classification (germline): Uncertain significance (1 of 4 stars; one submission).

gnomAD v4.1: 8 of 1,613,994 alleles (0.0005%); highest among the groups gnomAD compares: Admixed American, 0.013%; no homozygotes.

Submission:

Ambry Genetics
Classification: Uncertain significance. Last evaluated: 2025-10-22. Review status: criteria provided, single submitter. Criteria: Ambry Variant Classification Scheme 2023. Collection method: clinical testing. Allele origin: germline.
Comment: The c.446A>T (p.D149V) alteration is located in exon 2 (coding exon 1) of the FOXM1 gene. This alteration results from a A to T substitution at nucleotide position 446, causing the aspartic acid (D) at amino acid position 149 to be replaced by a valine (V). Based on data from gnomAD, the T allele has an overall frequency of 0.002% (6/282778) total alleles studied. The highest observed frequency was 0.017% (6/35422) of Latino alleles. Based on insufficient or conflicting evidence, the clinical significance of this alteration remains unclear.

NM_021953.4(FOXM1):c.446A>T (p.Asp149Val)

Gene: FOXM1 (forkhead box M1; minus strand). Cytogenetic location: 12p13.33.
Variant type: single nucleotide variant.
Coding change: c.446A>T on transcript NM_021953.4 (MANE Select); coding-DNA position 446, A replaced by T.
Protein change: p.Asp149Val; replaces aspartic acid 149 with valine.
Molecular consequence: missense variant. On other transcripts: 5 prime UTR variant (2).
Genome position (GRCh38, 1-based): chr12:2,874,033, T>A on the plus strand (A>T on the coding strand, the complement: FOXM1 is on the minus strand). VCF-style: chr12-2874033-T-A. GRCh37 (hg19) VCF-style: chr12-2983199-T-A.
Other names: c.446A>T, p.Asp149Val (NM_001413941.1, NM_001413942.1, NM_001413943.1 and 18 more transcripts); c.-126A>T (NM_001413935.1, NM_001413936.1); short protein forms D149V.
Identifiers: ClinVar variation 4669505 (VCV004669505.1).